The following is an entry in ClinVar:

NM_001347721.2(DYRK1A):c.1000_1001del (p.Asp334fs)

Gene: DYRK1A (dual specificity tyrosine phosphorylation regulated kinase 1A; plus strand). Cytogenetic location: 21q22.13.
Variant type: Deletion.
Coding change: c.1000_1001del on transcript NM_001347721.2 (MANE Select); coding-DNA positions 1000 to 1001, 2 bases deleted (GA; older notation c.1000_1001delGA).
Protein change: p.Asp334fs; shifts the reading frame from aspartic acid 334.
Molecular consequence: frameshift variant.
Genome position (GRCh38, 1-based): chr21:37,493,092-37,493,093, GA deleted. VCF-style (leftmost placement, unchanged base first): chr21-37493091-TGA-T. GRCh37 (hg19) VCF-style: chr21-38865393-TGA-T.
Other names: c.1000_1001del, p.Asp334fs (NM_001347722.2, NM_130436.2); c.913_914del, p.Asp305fs (NM_001347723.2); c.1027_1028del, p.Asp343fs (NM_001396.5, NM_101395.2, NM_130438.2); short protein forms D305fs, D334fs, D343fs.
Identifiers: ClinVar variation 1320224 (VCV001320224.1), dbSNP rs2148619635, ClinGen allele CA2573054936.

ClinVar aggregate classification (germline): Likely pathogenic (1 of 4 stars; one submission).

Conditions:
DYRK1A-related intellectual disability syndrome (MRD7). Also called: DYRK1A Syndrome; Intellectual developmental disorder, autosomal dominant 7. Identifiers: Orphanet 464306, MedGen C5568143, MONDO:0013578, OMIM 614104.

Submission:

3billion
Classification: Likely pathogenic for DYRK1A-related intellectual disability syndrome. Last evaluated: 2021-10-02. Review status: criteria provided, single submitter. Criteria: ACMG Guidelines, 2015. Collection method: clinical testing. Allele origin: unknown. Affected: yes. Observed: 1 heterozygote.
Comment: Frameshift: predicted to result in a loss or disruption of normal protein function through nonsense-mediated decay (NMD) or protein truncation. Multiple pathogenic variants are reported downstream of the variant (PVS1_VS). It is not observed in the gnomAD v2.1.1 dataset (PM2). Therefore, this variant is classified as likely pathogenic according to the recommendation of ACMG/AMP guideline.